The following is an entry in ClinVar:

ClinVar aggregate classification (germline): Benign (1 of 4 stars; one submission).

Conditions:
Focal segmental glomerulosclerosis 3, susceptibility to (FSGS3). Identifiers: Orphanet 656, MedGen C1842982, MONDO:0011917, OMIM 607832.

Allele frequency attached by ClinVar (database versions not stated): gnomAD exomes 0.00317; gnomAD 0.00441 and 0.00467; TOPMed 0.00791; 1000 Genomes Project 0.01118; 1000 Genomes Project 30x 0.01124.
gnomAD v4.1: 1,855 of 516,748 alleles (0.36%); highest among the groups gnomAD compares: Admixed American, 3.8%; 41 homozygotes.

Submission:

Illumina Laboratory Services, Illumina
Classification: Benign for Focal segmental glomerulosclerosis 3, susceptibility to. Last evaluated: 2018-01-13. Review status: criteria provided, single submitter. Criteria: ICSL Variant Classification Criteria 13 December 2019. Collection method: clinical testing. Allele origin: germline.
Comment: This variant was observed in the ICSL laboratory as part of a predisposition screen in an ostensibly healthy population. It had not been previously curated by ICSL or reported in the Human Gene Mutation Database (HGMD: prior to June 1st, 2018), and was therefore a candidate for classification through an automated scoring system. Utilizing variant allele frequency, disease prevalence and penetrance estimates, and inheritance mode, an automated score was calculated to assess if this variant is too frequent to cause the disease. Based on the score and internal cut-off values, a variant classified as benign is not then subjected to further curation. The score for this variant resulted in a classification of benign for this disease.

NM_012120.3(CD2AP):c.-297G>C

Genes: CD2AP-DT (CD2AP divergent transcript; minus strand), CD2AP (CD2 associated protein; plus strand), LOC129996604 (ATAC-STARR-seq lymphoblastoid silent region 17275; plus strand). Cytogenetic location: 6p12.3.
Variant type: single nucleotide variant.
Coding change: c.-297G>C on transcript NM_012120.3 (MANE Select); 297 bases upstream of the start codon, G replaced by C.
Molecular consequence: 5 prime UTR variant.
Genome position (GRCh38, 1-based): chr6:47,477,948, G>C. VCF-style: chr6-47477948-G-C. GRCh37 (hg19) VCF-style: chr6-47445684-G-C.
Identifiers: ClinVar variation 357154 (VCV000357154.5), dbSNP rs9369697, ClinGen allele CA10622287.